The following is an entry in ClinVar:

NM_024721.5(ZFHX4):c.4336G>A (p.Ala1446Thr)

Gene: ZFHX4 (zinc finger homeobox 4; plus strand). Cytogenetic location: 8q21.13.
Variant type: single nucleotide variant.
Coding change: c.4336G>A on transcript NM_024721.5 (MANE Select); coding-DNA position 4336, G replaced by A.
Protein change: p.Ala1446Thr; replaces alanine 1446 with threonine.
Molecular consequence: missense variant.
Genome position (GRCh38, 1-based): chr8:76,851,257, G>A. VCF-style: chr8-76851257-G-A. GRCh37 (hg19) VCF-style: chr8-77763493-G-A.
Other names: c.4258G>A, p.Ala1420Thr (NM_001410934.1); short protein forms A1420T, A1446T.
Identifiers: ClinVar variation 3900312 (VCV003900312.1).

ClinVar aggregate classification (germline): Uncertain significance (1 of 4 stars; one submission).

gnomAD v4.1: 173 of 1,613,680 alleles (0.011%); highest among the groups gnomAD compares: Non-Finnish European, 0.014%; no homozygotes.

Submission:

GeneDx
Classification: Uncertain significance. Last evaluated: 2024-01-05. Review status: criteria provided, single submitter. Criteria: GeneDx Variant Classification Process June 2021. Collection method: clinical testing. Allele origin: germline. Affected: yes.
Comment: In silico analysis supports that this missense variant does not alter protein structure/function; Has not been previously published as pathogenic or benign to our knowledge; Variants in candidate genes are classified as variants of uncertain significance in accordance with ACMG guidelines (PMID: 25741868)